The following is an entry in ClinVar:

ClinVar aggregate classification (germline): Uncertain significance. Review status: criteria provided, multiple submitters, no conflicts (2 of 4 stars). 2 submissions from 2 submitters: Uncertain significance (2). Last evaluated 2025-05-13.

Conditions:
Charcot-Marie-tooth disease, axonal, type 2DD. Also called: CHARCOT-MARIE-TOOTH NEUROPATHY, TYPE 2DD. Identifiers: Orphanet 521414, MedGen C4747974, MONDO:0054833, OMIM 618036.
Hypomagnesemia, seizures, and impaired intellectual development 2. Also called: Hypomagnesemia, seizures, and intellectual disability 2. Identifiers: MedGen C5193023, MONDO:0020788, OMIM 618314.

Allele frequency attached by ClinVar (database versions not stated): TOPMed 0.00003.

Submissions (2):

Institute of Immunology and Genetics Kaiserslautern
Classification: Uncertain significance for Charcot-Marie-tooth disease, axonal, type 2DD; Hypomagnesemia, seizures, and impaired intellectual development 2. Last evaluated: 2025-05-13. Review status: criteria provided, single submitter. Criteria: ACMG Guidelines, 2015. Collection method: clinical testing. Allele origin: germline.
Comment: ACMG Criteria: PM2_P, PP3; Variant was found in heterozygous state.

Labcorp Genetics (formerly Invitae), Labcorp
Classification: Uncertain significance. Last evaluated: 2023-10-28. Review status: criteria provided, single submitter. Criteria: Invitae Variant Classification Sherloc (09022015). Collection method: clinical testing. Allele origin: germline.
Comment: This sequence change replaces arginine, which is basic and polar, with cysteine, which is neutral and slightly polar, at codon 647 of the ATP1A1 protein (p.Arg647Cys). This variant is not present in population databases (gnomAD no frequency). This variant has not been reported in the literature in individuals affected with ATP1A1-related conditions. ClinVar contains an entry for this variant (Variation ID: 1941986). Advanced modeling of protein sequence and biophysical properties (such as structural, functional, and spatial information, amino acid conservation, physicochemical variation, residue mobility, and thermodynamic stability) performed at Invitae indicates that this missense variant is not expected to disrupt ATP1A1 protein function with a negative predictive value of 95%. In summary, the available evidence is currently insufficient to determine the role of this variant in disease. Therefore, it has been classified as a Variant of Uncertain Significance.

NM_000701.8(ATP1A1):c.1939C>T (p.Arg647Cys)

Genes: ATP1A1-AS1 (ATP1A1 antisense RNA 1; minus strand), ATP1A1 (ATPase Na+/K+ transporting subunit alpha 1; plus strand). Cytogenetic location: 1p13.1.
Variant type: single nucleotide variant.
Coding change: c.1939C>T on transcript NM_000701.8 (MANE Select); coding-DNA position 1939, C replaced by T.
Protein change: p.Arg647Cys; replaces arginine 647 with cysteine.
Molecular consequence: missense variant.
Genome position (GRCh38, 1-based): chr1:116,396,700, C>T. VCF-style: chr1-116396700-C-T. GRCh37 (hg19) VCF-style: chr1-116939322-C-T.
Other names: c.1939C>T, p.Arg647Cys (NM_001160233.2); c.1846C>T, p.Arg616Cys (NM_001160234.2); short protein forms R616C, R647C.
Identifiers: ClinVar variation 1941986 (VCV001941986.6), dbSNP rs1238522812, ClinGen allele CA341772241.